The following is an entry in ClinVar:

ClinVar aggregate classification (germline): Pathogenic/Likely pathogenic. Review status: criteria provided, multiple submitters, no conflicts (2 of 4 stars). 2 submissions from 2 submitters: Pathogenic (1); Likely pathogenic (1). Last evaluated 2023-08-29.

Conditions:
Retinitis pigmentosa 39 (RP39). Identifiers: Orphanet 791, MedGen C3151138, MONDO:0013436, OMIM 613809.

Submissions (2):

Labcorp Genetics (formerly Invitae), Labcorp
Classification: Pathogenic. Last evaluated: 2023-08-29. Review status: criteria provided, single submitter. Criteria: Invitae Variant Classification Sherloc (09022015). Collection method: clinical testing. Allele origin: germline.
Comment: This sequence change creates a premature translational stop signal (p.Tyr1927*) in the USH2A gene. It is expected to result in an absent or disrupted protein product. Loss-of-function variants in USH2A are known to be pathogenic (PMID: 10729113, 10909849, 20507924, 25649381). This variant is not present in population databases (gnomAD no frequency). This variant has not been reported in the literature in individuals affected with USH2A-related conditions. Algorithms developed to predict the effect of sequence changes on RNA splicing suggest that this variant may create or strengthen a splice site. For these reasons, this variant has been classified as Pathogenic.

Baylor Genetics
Classification: Likely pathogenic for Retinitis pigmentosa 39. Last evaluated: 2023-05-08. Review status: criteria provided, single submitter. Criteria: ACMG Guidelines, 2015. Collection method: clinical testing. Allele origin: unknown.

Literature cited by the submitters: PubMed 10729113 (cited by Labcorp Genetics (formerly Invitae), Labcorp); PubMed 10909849 (cited by Labcorp Genetics (formerly Invitae), Labcorp); PubMed 20507924 (cited by Labcorp Genetics (formerly Invitae), Labcorp); PubMed 25649381 (cited by Labcorp Genetics (formerly Invitae), Labcorp).

NM_206933.4(USH2A):c.5781C>G (p.Tyr1927Ter)

Genes: USH2A (usherin; minus strand), USH2A-AS2 (USH2A antisense RNA 2; plus strand). Cytogenetic location: 1q41.
Variant type: single nucleotide variant.
Coding change: c.5781C>G on transcript NM_206933.4 (MANE Select); coding-DNA position 5781, C replaced by G.
Protein change: p.Tyr1927Ter; replaces tyrosine 1927 with a stop codon.
Molecular consequence: nonsense.
Genome position (GRCh38, 1-based): chr1:216,072,965, G>C on the plus strand (C>G on the coding strand, the complement: USH2A is on the minus strand). VCF-style: chr1-216072965-G-C. GRCh37 (hg19) VCF-style: chr1-216246307-G-C.
Other names: short protein forms Y1927*.
Identifiers: ClinVar variation 2679498 (VCV002679498.4), dbSNP rs760845108, ClinGen allele CA344853923.